The following is an entry in ClinVar:

NM_006269.2(RP1):c.175T>G (p.Ser59Ala)

Gene: RP1 (RP1 axonemal microtubule associated; plus strand). Cytogenetic location: 8q12.1.
Variant type: single nucleotide variant.
Coding change: c.175T>G on transcript NM_006269.2 (MANE Select); coding-DNA position 175, T replaced by G.
Protein change: p.Ser59Ala; replaces serine 59 with alanine.
Molecular consequence: missense variant.
Genome position (GRCh38, 1-based): chr8:54,621,141, T>G. VCF-style: chr8-54621141-T-G. GRCh37 (hg19) VCF-style: chr8-55533701-T-G.
Other names: c.175T>G, p.Ser59Ala (NM_001375654.1); short protein forms S59A.
Identifiers: ClinVar variation 1505855 (VCV001505855.6), dbSNP rs2129314158, ClinGen allele CA370985786.

ClinVar aggregate classification (germline): Uncertain significance (1 of 4 stars; one submission).

Submission:

Labcorp Genetics (formerly Invitae), Labcorp
Classification: Uncertain significance. Last evaluated: 2025-04-28. Review status: criteria provided, single submitter. Criteria: Invitae Variant Classification Sherloc (09022015). Collection method: clinical testing. Allele origin: germline.
Comment: This sequence change replaces serine, which is neutral and polar, with alanine, which is neutral and non-polar, at codon 59 of the RP1 protein (p.Ser59Ala). This variant is not present in population databases (gnomAD no frequency). This variant has not been reported in the literature in individuals affected with RP1-related conditions. ClinVar contains an entry for this variant (Variation ID: 1505855). An algorithm developed to predict the effect of missense changes on protein structure and function (PolyPhen-2) suggests that this variant is likely to be disruptive. In summary, the available evidence is currently insufficient to determine the role of this variant in disease. Therefore, it has been classified as a Variant of Uncertain Significance.